The following is an entry in ClinVar:

ClinVar aggregate classification (germline): Uncertain significance (1 of 4 stars; one submission).

Submission:

CeGaT Center for Human Genetics Tuebingen
Classification: Uncertain significance. Last evaluated: 2026-04-01. Review status: criteria provided, single submitter. Criteria: CeGaT Center For Human Genetics Tuebingen Variant Classification Criteria Version 2. Collection method: clinical testing. Allele origin: germline. Affected: yes. Observed: 1 variant allele.
Comment: PTCH1: PM2, PP3

NM_000264.5(PTCH1):c.1124A>G (p.His375Arg)

Gene: PTCH1 (patched 1; minus strand). Cytogenetic location: 9q22.32.
Variant type: single nucleotide variant.
Coding change: c.1124A>G on transcript NM_000264.5 (MANE Select); coding-DNA position 1124, A replaced by G.
Protein change: p.His375Arg; replaces histidine 375 with arginine.
Molecular consequence: missense variant. On other transcripts: non-coding transcript variant (1).
Genome position (GRCh38, 1-based): chr9:95,479,091, T>C on the plus strand (A>G on the coding strand, the complement: PTCH1 is on the minus strand). VCF-style: chr9-95479091-T-C. GRCh37 (hg19) VCF-style: chr9-98241373-T-C.
Other names: c.926A>G, p.His309Arg (NM_001083602.3); c.1121A>G, p.His374Arg (NM_001083603.3); c.671A>G, p.His224Arg (NM_001083604.3, NM_001083605.3, NM_001083606.3 and 1 more transcripts); c.1124A>G, p.His375Arg (NM_001354918.2); short protein forms H224R, H309R, H374R, H375R.
Identifiers: ClinVar variation 4874695 (VCV004874695.2).
Genomic context (GRCh38, chr9:95,479,091, plus strand): 5'-ATGGCTGCCGCTTTGTCCTCGTTCCAGTTGATGTGTGAGACATACTCGTACCCCTTGAAG[T>C]GCTCGTACATTTGCTTGGGAGTCATTAACTGGAACATGGTCTGCAGGGCATGGGCGCTGC-3'
Protein context (NP_000255.2, residues 365-385): QLMTPKQMYE[His375Arg]FKGYEYVSHI